The following is an entry in ClinVar:

NM_000182.5(HADHA):c.1885+145T>C

Genes: GAREM2 (GRB2 associated regulator of MAPK1 subtype 2; plus strand), HADHA (hydroxyacyl-CoA dehydrogenase trifunctional multienzyme complex subunit alpha; minus strand). Cytogenetic location: 2p23.3.
Variant type: single nucleotide variant.
Coding change: c.1885+145T>C on transcript NM_000182.5 (MANE Select); 145 bases into the intron after coding-DNA position 1885, T replaced by C.
Molecular consequence: intron variant.
Genome position (GRCh38, 1-based): chr2:26,193,432, A>G on the plus strand (T>C on the coding strand, the complement: HADHA is on the minus strand). VCF-style: chr2-26193432-A-G. GRCh37 (hg19) VCF-style: chr2-26416301-A-G.
Identifiers: ClinVar variation 676135 (VCV000676135.2), dbSNP rs7582341, ClinGen allele CA11181504.

ClinVar aggregate classification (germline): Benign. Review status: criteria provided, multiple submitters, no conflicts (2 of 4 stars). 2 submissions from 2 submitters: Benign (2). Last evaluated 2018-06-14.

Allele frequency attached by ClinVar (database versions not stated): gnomAD exomes 0.78779; gnomAD 0.82331 and 0.82481; TOPMed 0.83555; 1000 Genomes Project 0.85264; 1000 Genomes Project 30x 0.85556.
gnomAD v4.1: 627,937 of 790,254 alleles (79%); highest among the groups gnomAD compares: African/African-American, 93%; 250,862 homozygotes.

Submissions (2):

GeneDx
Classification: Benign. Last evaluated: 2018-06-14. Review status: criteria provided, single submitter. Criteria: GeneDx Variant Classification (06012015). Collection method: clinical testing. Allele origin: germline. Affected: yes.
Comment: This variant is considered likely benign or benign based on one or more of the following criteria: it is a conservative change, it occurs at a poorly conserved position in the protein, it is predicted to be benign by multiple in silico algorithms, and/or has population frequency not consistent with disease.

Breakthrough Genomics
Classification: Benign. Review status: criteria provided, single submitter. Criteria: ACMG Guidelines, 2015. Collection method: not provided. Allele origin: germline. Inheritance: Autosomal recessive inheritance. Affected: yes.